The following is an entry in ClinVar:

NM_001163809.2(WDR81):c.5702C>T (p.Ser1901Leu)

Gene: WDR81 (WD repeat domain 81; plus strand). Cytogenetic location: 17p13.3.
Variant type: single nucleotide variant.
Coding change: c.5702C>T on transcript NM_001163809.2 (MANE Select); coding-DNA position 5702, C replaced by T.
Protein change: p.Ser1901Leu; replaces serine 1901 with leucine.
Molecular consequence: missense variant.
Genome position (GRCh38, 1-based): chr17:1,737,561, C>T. VCF-style: chr17-1737561-C-T. GRCh37 (hg19) VCF-style: chr17-1640855-C-T.
Other names: c.2093C>T, p.Ser698Leu (NM_001163673.2); c.2021C>T, p.Ser674Leu (NM_001163811.2); c.2549C>T, p.Ser850Leu (NM_152348.4); short protein forms S698L, S1901L, S674L, S850L.
Identifiers: ClinVar variation 376796 (VCV000376796.27), dbSNP rs375949504, ClinGen allele CA8273953.

ClinVar aggregate classification (germline): Uncertain significance. Review status: criteria provided, multiple submitters, no conflicts (2 of 4 stars). 2 submissions from 2 submitters: Uncertain significance (2). Last evaluated 2023-09-01.

Allele frequency attached by ClinVar (database versions not stated): gnomAD exomes 0.00001 and 0.00002; ExAC 0.00002; TOPMed 0.00004; gnomAD 0.00007 and 0.00008; ESP Exome Variant Server 0.00008.

Submissions (2):

CeGaT Center for Human Genetics Tuebingen
Classification: Uncertain significance. Last evaluated: 2023-09-01. Review status: criteria provided, single submitter. Criteria: CeGaT Center For Human Genetics Tuebingen Variant Classification Criteria Version 2. Collection method: clinical testing. Allele origin: germline. Affected: yes. Observed: 1 variant allele.
Comment: WDR81: PM2, BP4

Center for Pediatric Genomic Medicine, Children's Mercy Hospital and Clinics
Classification: Uncertain significance. Last evaluated: 2016-11-22. Review status: criteria provided, single submitter. Criteria: ACMG Guidelines, 2015. Collection method: clinical testing. Allele origin: germline.
ClinVar note: Converted during submission from Uncertain Significance to Uncertain significance.